The following is an entry in ClinVar:

NM_004055.5(CAPN5):c.160C>T (p.Pro54Ser)

Gene: CAPN5 (calpain 5; plus strand). Cytogenetic location: 11q13.5.
Variant type: single nucleotide variant.
Coding change: c.160C>T on transcript NM_004055.5 (MANE Select); coding-DNA position 160, C replaced by T.
Protein change: p.Pro54Ser; replaces proline 54 with serine.
Molecular consequence: missense variant.
Genome position (GRCh38, 1-based): chr11:77,085,046, C>T. VCF-style: chr11-77085046-C-T. GRCh37 (hg19) VCF-style: chr11-76796092-C-T.
Other names: c.160C>T, p.Pro54Ser (NM_001425321.1, NM_001425322.1, NM_001425323.1); short protein forms P54S.
Identifiers: ClinVar variation 2995522 (VCV002995522.3), dbSNP rs372612230, ClinGen allele CA6196139.

ClinVar aggregate classification (germline): Uncertain significance (1 of 4 stars; one submission).

Allele frequency attached by ClinVar (database versions not stated): gnomAD exomes below 0.00001; TOPMed below 0.00001; gnomAD 0.00001; ExAC 0.00002; ESP Exome Variant Server 0.00008.
gnomAD v4.1: 5 of 1,613,012 alleles (0.00031%); highest among the groups gnomAD compares: African/African-American, 0.004%; no homozygotes.

Submission:

Labcorp Genetics (formerly Invitae), Labcorp
Classification: Uncertain significance. Last evaluated: 2023-10-05. Review status: criteria provided, single submitter. Criteria: Invitae Variant Classification Sherloc (09022015). Collection method: clinical testing. Allele origin: germline.
Comment: This sequence change replaces proline, which is neutral and non-polar, with serine, which is neutral and polar, at codon 54 of the CAPN5 protein (p.Pro54Ser). This variant is present in population databases (rs372612230, gnomAD 0.01%). This variant has not been reported in the literature in individuals affected with CAPN5-related conditions. Advanced modeling of protein sequence and biophysical properties (such as structural, functional, and spatial information, amino acid conservation, physicochemical variation, residue mobility, and thermodynamic stability) performed at Invitae indicates that this missense variant is expected to disrupt CAPN5 protein function. In summary, the available evidence is currently insufficient to determine the role of this variant in disease. Therefore, it has been classified as a Variant of Uncertain Significance.